The following is an entry in ClinVar:

NM_006214.4(PHYH):c.711G>A (p.Gln237=)

Gene: PHYH (phytanoyl-CoA 2-hydroxylase; minus strand). Cytogenetic location: 10p13.
Variant type: single nucleotide variant.
Coding change: c.711G>A on transcript NM_006214.4 (MANE Select); coding-DNA position 711, G replaced by A.
Protein change: p.Gln237=; no amino-acid change (glutamine 237 retained).
Molecular consequence: synonymous variant.
Genome position (GRCh38, 1-based): chr10:13,283,807, C>T on the plus strand (G>A on the coding strand, the complement: PHYH is on the minus strand). VCF-style: chr10-13283807-C-T. GRCh37 (hg19) VCF-style: chr10-13325807-C-T.
Other names: c.411G>A, p.Gln137= (NM_001037537.2, NM_001323080.2); c.717G>A, p.Gln239= (NM_001323082.2); c.447G>A, p.Gln149= (NM_001323083.2); c.417G>A, p.Gln139= (NM_001323084.2).
Identifiers: ClinVar variation 2115735 (VCV002115735.4), dbSNP rs2538635184, ClinGen allele CA468237139.
Genomic context (GRCh38, chr10:13,283,807, plus strand): 5'-GAAAACAGTGTCGCCCTTCTCCATCACCAGGTGCACCCGGGCCTTGTTTTCCTCGTAGTC[C>T]TGGATCCCGTGGAACATTTTGTTAACTCCCCCCTAGAACAAGAGGCAAGTGAAGTCTACA-3'
Protein context (NP_006205.1, residues 227-247): GGVNKMFHGI[Gln237=]DYEENKARVH

ClinVar aggregate classification (germline): Uncertain significance (1 of 4 stars; one submission).

Allele frequency attached by ClinVar (database versions not stated): gnomAD exomes below 0.00001.
gnomAD v4.1: 2 of 1,613,994 alleles (0.00012%); highest among the groups gnomAD compares: African/African-American, 0.0013%; no homozygotes.

Submission:

Labcorp Genetics (formerly Invitae), Labcorp
Classification: Uncertain significance. Last evaluated: 2022-03-22. Review status: criteria provided, single submitter. Criteria: Invitae Variant Classification Sherloc (09022015). Collection method: clinical testing. Allele origin: germline.
Comment: Algorithms developed to predict the effect of sequence changes on RNA splicing suggest that this variant may disrupt the consensus splice site. This variant has not been reported in the literature in individuals affected with PHYH-related conditions. This variant is not present in population databases (gnomAD no frequency). This sequence change affects codon 237 of the PHYH mRNA. It is a 'silent' change, meaning that it does not change the encoded amino acid sequence of the PHYH protein. In summary, the available evidence is currently insufficient to determine the role of this variant in disease. Therefore, it has been classified as a Variant of Uncertain Significance.